The following is an entry in ClinVar:

NM_002168.4(IDH2):c.448G>C (p.Glu150Gln)

Gene: IDH2 (isocitrate dehydrogenase (NADP(+)) 2; minus strand). Cytogenetic location: 15q26.1.
Variant type: single nucleotide variant.
Coding change: c.448G>C on transcript NM_002168.4 (MANE Select); coding-DNA position 448, G replaced by C.
Protein change: p.Glu150Gln; replaces glutamic acid 150 with glutamine.
Molecular consequence: missense variant.
Genome position (GRCh38, 1-based): chr15:90,088,673, C>G on the plus strand (G>C on the coding strand, the complement: IDH2 is on the minus strand). VCF-style: chr15-90088673-C-G. GRCh37 (hg19) VCF-style: chr15-90631905-C-G.
Other names: c.292G>C, p.Glu98Gln (NM_001289910.1); c.58G>C, p.Glu20Gln (NM_001290114.2); short protein forms E150Q, E20Q, E98Q.
Identifiers: ClinVar variation 4530768 (VCV004530768.1).

ClinVar aggregate classification (germline): Uncertain significance (1 of 4 stars; one submission).

Submission:

GeneDx
Classification: Uncertain significance. Last evaluated: 2025-05-23. Review status: criteria provided, single submitter. Criteria: GeneDx Variant Classification Process June 2021. Collection method: clinical testing. Allele origin: germline. Affected: yes.
Comment: Not observed at significant frequency in large population cohorts (gnomAD); In silico analysis supports that this missense variant has a deleterious effect on protein structure/function; Has not been previously published as pathogenic or benign to our knowledge